The following is an entry in ClinVar:

NM_000352.6(ABCC8):c.1988T>A (p.Leu663Gln)

Gene: ABCC8 (ATP binding cassette subfamily C member 8; minus strand). Cytogenetic location: 11p15.1.
Variant type: single nucleotide variant.
Coding change: c.1988T>A on transcript NM_000352.6 (MANE Select); coding-DNA position 1988, T replaced by A.
Protein change: p.Leu663Gln; replaces leucine 663 with glutamine.
Molecular consequence: missense variant. On other transcripts: non-coding transcript variant (1).
Genome position (GRCh38, 1-based): chr11:17,428,341, A>T on the plus strand (T>A on the coding strand, the complement: ABCC8 is on the minus strand). VCF-style: chr11-17428341-A-T. GRCh37 (hg19) VCF-style: chr11-17449888-A-T.
Other names: c.1985T>A, p.Leu662Gln (NM_001351297.2, NM_001351296.2); c.1988T>A, p.Leu663Gln (NM_001287174.3); c.2054T>A, p.Leu685Gln (NM_001351295.2); short protein forms L663Q, L662Q, L685Q.
Identifiers: ClinVar variation 3711173 (VCV003711173.3).
Genomic context (GRCh38, chr11:17,428,341, plus strand): 5'-GGACTCACCTGGACACAGCAGTTGTCAGCATCGCCATCTGCACTGGGGACCAGGCTCTGC[A>T]GTGGGCCGGTGAGGCCCCGACAATCCTCCCGGGCTGGACGCTTGCGGTTCACAACCCTGA-3'
Protein context (NP_000343.2, residues 653-673): REDCRGLTGP[Leu663Gln]QSLVPSADGD

ClinVar aggregate classification (germline): Uncertain significance. Review status: criteria provided, multiple submitters, no conflicts (2 of 4 stars). 2 submissions from 2 submitters: Uncertain significance (2). Last evaluated 2025-03-17.

gnomAD v4.1: 5 of 1,614,188 alleles (0.00031%); highest among the groups gnomAD compares: Admixed American, 0.0083%; no homozygotes.

Submissions (2):

Women's Health and Genetics/Laboratory Corporation of America, LabCorp
Classification: Uncertain significance. Last evaluated: 2025-03-17. Review status: criteria provided, single submitter. Criteria: LabCorp Variant Classification Summary - May 2015. Collection method: clinical testing. Allele origin: germline.
Comment: Variant summary: ABCC8 c.1988T>A (p.Leu663Gln) results in a non-conservative amino acid change in the encoded protein sequence. Three of five in-silico tools predict a benign effect of the variant on protein function. The variant allele was found at a frequency of 1.6e-05 in 251052 control chromosomes. The available data on variant occurrences in the general population are insufficient to allow any conclusion about variant significance. To our knowledge, no occurrence of c.1988T>A in individuals affected with ABCC8-related conditions and no experimental evidence demonstrating its impact on protein function have been reported. No submitters have cited clinical-significance assessments for this variant to ClinVar. Based on the evidence outlined above, the variant was classified as uncertain significance.

Labcorp Genetics (formerly Invitae), Labcorp
Classification: Uncertain significance. Last evaluated: 2024-06-10. Review status: criteria provided, single submitter. Criteria: Invitae Variant Classification Sherloc (09022015). Collection method: clinical testing. Allele origin: germline.
Comment: This sequence change replaces leucine, which is neutral and non-polar, with glutamine, which is neutral and polar, at codon 663 of the ABCC8 protein (p.Leu663Gln). This variant is present in population databases (rs765179969, gnomAD 0.01%). This variant has not been reported in the literature in individuals affected with ABCC8-related conditions. Advanced modeling of protein sequence and biophysical properties (such as structural, functional, and spatial information, amino acid conservation, physicochemical variation, residue mobility, and thermodynamic stability) has been performed at Invitae for this missense variant, however the output from this modeling did not meet the statistical confidence thresholds required to predict the impact of this variant on ABCC8 protein function. In summary, the available evidence is currently insufficient to determine the role of this variant in disease. Therefore, it has been classified as a Variant of Uncertain Significance.